The following is an entry in ClinVar:

NM_201596.3(CACNB2):c.1302+238T>G

Gene: CACNB2 (calcium voltage-gated channel auxiliary subunit beta 2; plus strand). Cytogenetic location: 10p12.31.
Variant type: single nucleotide variant.
Coding change: c.1302+238T>G on transcript NM_201596.3 (MANE Select); 238 bases into the intron after coding-DNA position 1302, T replaced by G.
Molecular consequence: intron variant.
Genome position (GRCh38, 1-based): chr10:18,536,434, T>G. VCF-style: chr10-18536434-T-G. GRCh37 (hg19) VCF-style: chr10-18825363-T-G.
Other names: c.1218+238T>G (NM_201571.4); c.1104+238T>G (NM_001167945.2); c.1146+238T>G (NM_201572.4); c.1188+238T>G (NM_201593.3); c.1230+238T>G (NM_201597.3); c.1137+238T>G (NM_000724.4); c.1023+238T>G (NM_001330060.2); c.1140+238T>G (NM_201590.3); and 1 more.
Identifiers: ClinVar variation 679055 (VCV000679055.1), dbSNP rs117995836, ClinGen allele CA13216324.

ClinVar aggregate classification (germline): Likely benign (1 of 4 stars; one submission).

Allele frequency attached by ClinVar (database versions not stated): 1000 Genomes Project 0.01258; 1000 Genomes Project 30x 0.01359; TOPMed 0.02329.
gnomAD v4.1: 3,444 of 151,660 alleles (2.3%); highest among the groups gnomAD compares: Middle Eastern, 5.1%; 67 homozygotes.

Submission:

GeneDx
Classification: Likely benign. Last evaluated: 2018-06-16. Review status: criteria provided, single submitter. Criteria: GeneDx Variant Classification (06012015). Collection method: clinical testing. Allele origin: germline. Affected: yes.
Comment: This variant is considered likely benign or benign based on one or more of the following criteria: it is a conservative change, it occurs at a poorly conserved position in the protein, it is predicted to be benign by multiple in silico algorithms, and/or has population frequency not consistent with disease.